The following is an entry in ClinVar:

ClinVar aggregate classification (germline): Likely pathogenic. Review status: criteria provided, single submitter (1 of 4 stars). 2 submissions from 2 submitters: Likely pathogenic (1). 1 of the submissions does not count toward it.

Conditions:
Junctional epidermolysis bullosa gravis of Herlitz. Also called: Herlitz-type junctional epidermolysis bullosa; Epidermolysis Bullosa Letalis; EPIDERMOLYSIS BULLOSA, JUNCTIONAL 1B, SEVERE; EPIDERMOLYSIS BULLOSA JUNCTIONALIS, HERLITZ TYPE; EPIDERMOLYSIS BULLOSA, JUNCTIONAL, HERLITZ-PEARSON TYPE; JEB-HERLITZ TYPE. Identifiers: Orphanet 79404, MedGen C0079683, MONDO:0009182, OMIM 226700.

Submissions (2):

Neuberg Centre For Genomic Medicine, NCGM
Classification: Likely pathogenic for Junctional epidermolysis bullosa gravis of Herlitz. Review status: criteria provided, single submitter. Criteria: ACMG Guidelines, 2015. Collection method: clinical testing. Allele origin: germline. Inheritance: Autosomal recessive inheritance. Affected: yes.
Comment: The splice donor variant c.8576+1G>A in LAMA3 gene has not been reported previously as a pathogenic variant nor as a benign variant, to our knowledge. The variant is novel (not in any individuals) in gnomAD Exomes and 1000 Genomes. This variant has been reported to the ClinVar database as Likely Pathogenic. The nucleotide change in LAMA3 is predicted as conserved by GERP++ and PhyloP across 100 vertebrates. For these reasons, this variant has been classified as Likely Pathogenic

Counsyl
Classification: Likely pathogenic for Junctional epidermolysis bullosa gravis of Herlitz. Last evaluated: 2017-10-25. Review status: no assertion criteria provided. Collection method: clinical testing. Allele origin: unknown. Not counted in ClinVar's aggregate classification.

NM_198129.4(LAMA3):c.8576+1G>A

Gene: LAMA3 (laminin subunit alpha 3; plus strand). Cytogenetic location: 18q11.2.
Variant type: single nucleotide variant.
Coding change: c.8576+1G>A on transcript NM_198129.4 (MANE Select); the canonical splice donor site of the intron after coding-DNA position 8576, G replaced by A.
Molecular consequence: splice donor variant.
Genome position (GRCh38, 1-based): chr18:23,931,202, G>A. VCF-style: chr18-23931202-G-A. GRCh37 (hg19) VCF-style: chr18-21511166-G-A.
Other names: c.8408+1G>A (NM_001127717.4); c.3749+1G>A (NM_000227.6); c.3581+1G>A (NM_001127718.4); c.8576+1G>A (NM_198129.3).
Identifiers: ClinVar variation 554541 (VCV000554541.3), dbSNP rs1555744805, ClinGen allele CA402065261.